The following is an entry in ClinVar:

ClinVar aggregate classification (germline): Uncertain significance (1 of 4 stars; one submission).

Conditions:
Hereditary cancer-predisposing syndrome. Also called: Neoplastic Syndromes, Hereditary; Hereditary Cancer Syndrome; Tumor predisposition; Hereditary neoplastic syndrome. Identifiers: Orphanet 140162, MedGen C0027672, MeSH D009386, MONDO:0015356.

Submission:

Labcorp Genetics (formerly Invitae), Labcorp
Classification: Uncertain significance for Hereditary cancer-predisposing syndrome. Last evaluated: 2023-04-07. Review status: criteria provided, single submitter. Criteria: Invitae Variant Classification Sherloc (09022015). Collection method: clinical testing. Allele origin: germline.
Comment: In summary, the available evidence is currently insufficient to determine the role of this variant in disease. Therefore, it has been classified as a Variant of Uncertain Significance. Advanced modeling of protein sequence and biophysical properties (such as structural, functional, and spatial information, amino acid conservation, physicochemical variation, residue mobility, and thermodynamic stability) performed at Invitae indicates that this missense variant is expected to disrupt RAD50 protein function. This variant has not been reported in the literature in individuals affected with RAD50-related conditions. This variant is not present in population databases (gnomAD no frequency). This sequence change replaces glycine, which is neutral and non-polar, with valine, which is neutral and non-polar, at codon 299 of the RAD50 protein (p.Gly299Val).

NM_005732.4(RAD50):c.896G>T (p.Gly299Val)

Gene: RAD50 (RAD50 double strand break repair protein; plus strand). Cytogenetic location: 5q31.1.
Variant type: single nucleotide variant.
Coding change: c.896G>T on transcript NM_005732.4 (MANE Select); coding-DNA position 896, G replaced by T.
Protein change: p.Gly299Val; replaces glycine 299 with valine.
Molecular consequence: missense variant.
Genome position (GRCh38, 1-based): chr5:132,587,934, G>T. VCF-style: chr5-132587934-G-T. GRCh37 (hg19) VCF-style: chr5-131923626-G-T.
Other names: short protein forms G299V.
Identifiers: ClinVar variation 2853370 (VCV002853370.3), dbSNP rs2479632399, ClinGen allele CA360940773.